The following is an entry in ClinVar:

ClinVar aggregate classification (germline): Likely benign (1 of 4 stars; one submission).

Allele frequency attached by ClinVar (database versions not stated): 1000 Genomes Project 0.00080; TOPMed 0.00374; ESP Exome Variant Server 0.00377; gnomAD 0.00377; ExAC 0.00378; gnomAD exomes 0.00483; 1000 Genomes Project 30x 0.00062.
gnomAD v4.1: 7,665 of 1,613,080 alleles (0.48%); highest among the groups gnomAD compares: Middle Eastern, 0.89%; 28 homozygotes.

Submission:

CeGaT Center for Human Genetics Tuebingen
Classification: Likely benign. Last evaluated: 2022-12-01. Review status: criteria provided, single submitter. Criteria: CeGaT Center For Human Genetics Tuebingen Variant Classification Criteria Version 2. Collection method: clinical testing. Allele origin: germline. Affected: yes. Observed: 2 variant alleles.
Comment: ARHGAP8: BP4, BP7, BS2

NM_181335.3(ARHGAP8):c.18T>A (p.Pro6=)

Genes: ARHGAP8 (Rho GTPase activating protein 8; plus strand), PRR5-ARHGAP8 (PRR5-ARHGAP8 readthrough; plus strand). Cytogenetic location: 22q13.31.
Variant type: single nucleotide variant.
Coding change: c.18T>A on transcript NM_181335.3 (MANE Select); coding-DNA position 18, T replaced by A.
Protein change: p.Pro6=; no amino-acid change (proline 6 retained).
Molecular consequence: synonymous variant.
Genome position (GRCh38, 1-based): chr22:44,786,545, T>A. VCF-style: chr22-44786545-T-A. GRCh37 (hg19) VCF-style: chr22-45182425-T-A.
Other names: c.18T>A, p.Pro6= (NM_001017526.2, NM_001198726.2); c.411T>A, p.Pro137= (NM_181334.6).
Identifiers: ClinVar variation 2653277 (VCV002653277.23), dbSNP rs138492067, ClinGen allele CA10281346.